The following is an entry in ClinVar:

ClinVar aggregate classification (germline): Likely benign. Review status: criteria provided, multiple submitters, no conflicts (2 of 4 stars). 2 submissions from 2 submitters: Likely benign (2). Last evaluated 2026-01-31.

Conditions:
Congenital disorder of deglycosylation (CDDG). Identifiers: MedGen C3808991, MONDO:0031376.

Allele frequency attached by ClinVar (database versions not stated): gnomAD exomes 0.00013 and 0.00041; ExAC 0.00056; 1000 Genomes Project 30x 0.00141; gnomAD 0.00153 and 0.00160; ESP Exome Variant Server 0.00154; 1000 Genomes Project 0.00160; TOPMed 0.00167.
gnomAD v4.1: 415 of 1,539,154 alleles (0.027%); highest among the groups gnomAD compares: African/African-American, 0.51%; 3 homozygotes.

Submissions (2):

Labcorp Genetics (formerly Invitae), Labcorp
Classification: Likely benign for Congenital disorder of deglycosylation. Last evaluated: 2026-01-31. Review status: criteria provided, single submitter. Criteria: Invitae Variant Classification Sherloc (09022015). Collection method: clinical testing. Allele origin: germline.

GeneDx
Classification: Likely benign. Last evaluated: 2021-02-08. Review status: criteria provided, single submitter. Criteria: GeneDx Variant Classification Process June 2021. Collection method: clinical testing. Allele origin: germline. Affected: yes.
Comment: In silico analysis, which includes protein predictors and evolutionary conservation, supports that this variant does not alter protein structure/function; Has not been previously published as pathogenic or benign to our knowledge

NM_018297.4(NGLY1):c.1579A>G (p.Ile527Val)

Gene: NGLY1 (N-glycanase 1; minus strand). Cytogenetic location: 3p24.2.
Variant type: single nucleotide variant.
Coding change: c.1579A>G on transcript NM_018297.4 (MANE Select); coding-DNA position 1579, A replaced by G.
Protein change: p.Ile527Val; replaces isoleucine 527 with valine.
Molecular consequence: missense variant.
Genome position (GRCh38, 1-based): chr3:25,729,165, T>C on the plus strand (A>G on the coding strand, the complement: NGLY1 is on the minus strand). VCF-style: chr3-25729165-T-C. GRCh37 (hg19) VCF-style: chr3-25770656-T-C.
Other names: c.1525A>G, p.Ile509Val (NM_001145293.2); c.1453A>G, p.Ile485Val (NM_001145294.2); c.1579A>G, p.Ile527Val (NM_001145295.2); short protein forms I527V, I485V, I509V.
Identifiers: ClinVar variation 474214 (VCV000474214.14), dbSNP rs112237307, ClinGen allele CA2289122.